The following is an entry in ClinVar:

NM_139318.5(KCNH5):c.2689C>T (p.Pro897Ser)

Gene: KCNH5 (potassium voltage-gated channel subfamily H member 5; minus strand). Cytogenetic location: 14q23.2.
Variant type: single nucleotide variant.
Coding change: c.2689C>T on transcript NM_139318.5 (MANE Select); coding-DNA position 2689, C replaced by T.
Protein change: p.Pro897Ser; replaces proline 897 with serine.
Molecular consequence: missense variant. On other transcripts: 3 prime UTR variant (1).
Genome position (GRCh38, 1-based): chr14:62,707,786, G>A on the plus strand (C>T on the coding strand, the complement: KCNH5 is on the minus strand). VCF-style: chr14-62707786-G-A. GRCh37 (hg19) VCF-style: chr14-63174504-G-A.
Other names: c.*656C>T (NM_172375.3); short protein forms P897S.
Identifiers: ClinVar variation 1443980 (VCV001443980.7), dbSNP rs1393650655, ClinGen allele CA390100047.

ClinVar aggregate classification (germline): Uncertain significance (1 of 4 stars; one submission).

Conditions:
Early-infantile DEE. Also called: Ohtahara syndrome; Early infantile epileptic encephalopathy with suppression bursts; Early infantile epileptic encephalopathy. Identifiers: Orphanet 1934, MedGen C0393706, MONDO:0800491.

Allele frequency attached by ClinVar (database versions not stated): gnomAD exomes below 0.00001.

Submission:

Labcorp Genetics (formerly Invitae), Labcorp
Classification: Uncertain significance for Early-infantile DEE. Last evaluated: 2021-10-27. Review status: criteria provided, single submitter. Criteria: Invitae Variant Classification Sherloc (09022015). Collection method: clinical testing. Allele origin: germline.
Comment: In summary, the available evidence is currently insufficient to determine the role of this variant in disease. Therefore, it has been classified as a Variant of Uncertain Significance. Advanced modeling of protein sequence and biophysical properties (such as structural, functional, and spatial information, amino acid conservation, physicochemical variation, residue mobility, and thermodynamic stability) performed at Invitae indicates that this missense variant is not expected to disrupt KCNH5 protein function. This variant has not been reported in the literature in individuals affected with KCNH5-related conditions. This variant is present in population databases (no rsID available, gnomAD 0.0009%). This sequence change replaces proline, which is neutral and non-polar, with serine, which is neutral and polar, at codon 897 of the KCNH5 protein (p.Pro897Ser).